The following is an entry in ClinVar:

NM_001136035.4(TRMT1):c.583C>G (p.Arg195Gly)

Gene: TRMT1 (tRNA methyltransferase 1; minus strand). Cytogenetic location: 19p13.13.
Variant type: single nucleotide variant.
Coding change: c.583C>G on transcript NM_001136035.4 (MANE Select); coding-DNA position 583, C replaced by G.
Protein change: p.Arg195Gly; replaces arginine 195 with glycine.
Molecular consequence: missense variant. On other transcripts: 5 prime UTR variant (1).
Genome position (GRCh38, 1-based): chr19:13,115,337, G>C on the plus strand (C>G on the coding strand, the complement: TRMT1 is on the minus strand). VCF-style: chr19-13115337-G-C. GRCh37 (hg19) VCF-style: chr19-13226151-G-C.
Other names: c.583C>G, p.Arg195Gly (NM_001351760.2, NM_017722.5, NM_001142554.3); c.475C>G, p.Arg159Gly (NM_001351761.2); c.-188C>G (NM_001351762.2); short protein forms R159G, R195G.
Identifiers: ClinVar variation 4537770 (VCV004537770.1).

ClinVar aggregate classification (germline): Uncertain significance (1 of 4 stars; one submission).

gnomAD v4.1: 2 of 1,613,930 alleles (0.00012%); highest among the groups gnomAD compares: Admixed American, 0.0033%; no homozygotes.

Submission:

GeneDx
Classification: Uncertain significance. Last evaluated: 2025-06-12. Review status: criteria provided, single submitter. Criteria: GeneDx Variant Classification Process June 2021. Collection method: clinical testing. Allele origin: germline. Affected: yes.
Comment: Not observed at significant frequency in large population cohorts (gnomAD); In silico analysis supports that this missense variant has a deleterious effect on protein structure/function; Has not been previously published as pathogenic or benign to our knowledge